The following is an entry in ClinVar:

ClinVar aggregate classification (germline): Uncertain significance (1 of 4 stars; one submission).

Conditions:
Hereditary breast ovarian cancer syndrome. Also called: Hereditary breast and/or ovarian cancer syndrome; Hereditary breast and ovarian cancer syndrome; Hereditary breast and ovarian cancer syndrome (HBOC); Breast and ovarian cancer; Hereditary breast and ovarian cancer; BRCA1- and BRCA2-Associated Hereditary Breast and Ovarian Cancer. Identifiers: Orphanet 145, MedGen C0677776, MeSH D061325, MONDO:0003582. Disease mechanism: loss of function.

Allele frequency attached by ClinVar (database versions not stated): gnomAD exomes below 0.00001.

Submission:

Labcorp Genetics (formerly Invitae), Labcorp
Classification: Uncertain significance for Hereditary breast ovarian cancer syndrome. Last evaluated: 2024-04-30. Review status: criteria provided, single submitter. Criteria: Invitae Variant Classification Sherloc (09022015). Collection method: clinical testing. Allele origin: germline.
Comment: This sequence change replaces methionine, which is neutral and non-polar, with isoleucine, which is neutral and non-polar, at codon 124 of the BRCA2 protein (p.Met124Ile). This variant is not present in population databases (gnomAD no frequency). This variant has not been reported in the literature in individuals affected with BRCA2-related conditions. ClinVar contains an entry for this variant (Variation ID: 1056427). Advanced modeling of protein sequence and biophysical properties (such as structural, functional, and spatial information, amino acid conservation, physicochemical variation, residue mobility, and thermodynamic stability) performed at Invitae indicates that this missense variant is not expected to disrupt BRCA2 protein function with a negative predictive value of 95%. In summary, the available evidence is currently insufficient to determine the role of this variant in disease. Therefore, it has been classified as a Variant of Uncertain Significance.

NM_000059.4(BRCA2):c.372G>T (p.Met124Ile)

Gene: BRCA2 (BRCA2 DNA repair associated; plus strand). Cytogenetic location: 13q13.1.
Variant type: single nucleotide variant.
Coding change: c.372G>T on transcript NM_000059.4 (MANE Select); coding-DNA position 372, G replaced by T.
Protein change: p.Met124Ile; replaces methionine 124 with isoleucine.
Molecular consequence: missense variant.
Genome position (GRCh38, 1-based): chr13:32,325,131, G>T. VCF-style: chr13-32325131-G-T. GRCh37 (hg19) VCF-style: chr13-32899268-G-T.
Other names: short protein forms M124I.
Identifiers: ClinVar variation 1056427 (VCV001056427.9), dbSNP rs2072334758, ClinGen allele CA387756637.
Genomic context (GRCh38, chr13:32,325,131, plus strand): 5'-TTCAGGAAGGAATGTTCCCAATAGTAGACATAAAAGTCTTCGCACAGTGAAAACTAAAAT[G>T]GATCAAGCAGATGATGTTTCCTGTCCACTTCTAAATTCTTGTCTTAGTGAAAGGTATGAT-3'
Protein context (NP_000050.3, residues 114-134): HKSLRTVKTK[Met124Ile]DQADDVSCPL